The following is an entry in ClinVar:

ClinVar aggregate classification (germline): Uncertain significance (1 of 4 stars; one submission).

Conditions:
Inborn genetic diseases. Identifiers: MedGen C0950123, MeSH D030342.

gnomAD v4.1: 1 of 1,614,088 alleles (0.000062%); highest among the groups gnomAD compares: Non-Finnish European, 0.000085%; no homozygotes.

Submission:

Ambry Genetics
Classification: Uncertain significance for Inborn genetic diseases. Last evaluated: 2026-07-14. Review status: criteria provided, single submitter. Criteria: Ambry Variant Classification Scheme 2023. Collection method: clinical testing. Allele origin: germline.
Comment: The c.2455A>G (p.R819G) alteration is located in exon 15 (coding exon 14) of the TRPV4 gene. This alteration results from a A to G substitution at nucleotide position 2455, causing the arginine (R) at amino acid position 819 to be replaced by a glycine (G). Based on data from gnomAD, the G allele has an overall frequency of <0.001% (1/251332) total alleles studied. The highest observed frequency was 0.001% (1/113634) of European (non-Finnish) alleles. Based on insufficient or conflicting evidence, the clinical significance of this alteration remains unclear.

NM_021625.5(TRPV4):c.2455A>G (p.Arg819Gly)

Gene: TRPV4 (transient receptor potential cation channel subfamily V member 4; minus strand). Cytogenetic location: 12q24.11.
Variant type: single nucleotide variant.
Coding change: c.2455A>G on transcript NM_021625.5 (MANE Select); coding-DNA position 2455, A replaced by G.
Protein change: p.Arg819Gly; replaces arginine 819 with glycine.
Molecular consequence: missense variant.
Genome position (GRCh38, 1-based): chr12:109,784,319, T>C on the plus strand (A>G on the coding strand, the complement: TRPV4 is on the minus strand). VCF-style: chr12-109784319-T-C. GRCh37 (hg19) VCF-style: chr12-110222124-T-C.
Other names: c.2275A>G, p.Arg759Gly (NM_147204.3); c.2314A>G, p.Arg772Gly (NM_001177428.2); c.2353A>G, p.Arg785Gly (NM_001177431.2); c.2134A>G, p.Arg712Gly (NM_001177433.2); short protein forms R712G, R772G, R785G, R819G, R759G.
Identifiers: ClinVar variation 5031176 (VCV005031176.1).